The following is an entry in ClinVar:

ClinVar aggregate classification (germline): Uncertain significance (1 of 4 stars; one submission).

Submission:

Ambry Genetics
Classification: Uncertain significance. Last evaluated: 2023-11-22. Review status: criteria provided, single submitter. Criteria: Ambry Variant Classification Scheme 2023. Collection method: clinical testing. Allele origin: germline.
Comment: The p.E2007D variant (also known as c.6021A>T), located in coding exon 9 of the ALPK2 gene, results from an A to T substitution at nucleotide position 6021. The glutamic acid at codon 2007 is replaced by aspartic acid, an amino acid with highly similar properties. This amino acid position is conserved. In addition, this alteration is predicted to be tolerated by in silico analysis. Since supporting evidence is limited at this time, the clinical significance of this alteration remains unclear.

NM_052947.4(ALPK2):c.6021A>T (p.Glu2007Asp)

Gene: ALPK2 (alpha kinase 2; minus strand). Cytogenetic location: 18q21.31.
Variant type: single nucleotide variant.
Coding change: c.6021A>T on transcript NM_052947.4 (MANE Select); coding-DNA position 6021, A replaced by T.
Protein change: p.Glu2007Asp; replaces glutamic acid 2007 with aspartic acid.
Molecular consequence: missense variant.
Genome position (GRCh38, 1-based): chr18:58,515,001, T>A on the plus strand (A>T on the coding strand, the complement: ALPK2 is on the minus strand). VCF-style: chr18-58515001-T-A. GRCh37 (hg19) VCF-style: chr18-56182233-T-A.
Other names: short protein forms E2007D.
Identifiers: ClinVar variation 3228833 (VCV003228833.1), dbSNP rs1002776344, ClinGen allele CA402546160.